The following is an entry in ClinVar:

ClinVar aggregate classification (germline): Uncertain significance (1 of 4 stars; one submission).

gnomAD v4.1: 3 of 1,613,708 alleles (0.00019%); highest among the groups gnomAD compares: African/African-American, 0.004%; no homozygotes.

Submission:

GeneDx
Classification: Uncertain significance. Last evaluated: 2026-03-03. Review status: criteria provided, single submitter. Criteria: GeneDx Variant Classification Process June 2021. Collection method: clinical testing. Allele origin: germline.
Comment: Not observed at significant frequency in large population cohorts (gnomAD); In silico analysis supports that this missense variant has a deleterious effect on protein structure/function; Has not been previously published as pathogenic or benign to our knowledge

NM_025191.4(EDEM3):c.296C>A (p.Ala99Asp)

Gene: EDEM3 (ER degradation enhancing alpha-mannosidase like protein 3; minus strand). Cytogenetic location: 1q25.3.
Variant type: single nucleotide variant.
Coding change: c.296C>A on transcript NM_025191.4 (MANE Select); coding-DNA position 296, C replaced by A.
Protein change: p.Ala99Asp; replaces alanine 99 with aspartic acid.
Molecular consequence: missense variant. On other transcripts: non-coding transcript variant (1).
Genome position (GRCh38, 1-based): chr1:184,737,620, G>T on the plus strand (C>A on the coding strand, the complement: EDEM3 is on the minus strand). VCF-style: chr1-184737620-G-T. GRCh37 (hg19) VCF-style: chr1-184706754-G-T.
Other names: c.296C>A, p.Ala99Asp (NM_001319960.2); short protein forms A99D.
Identifiers: ClinVar variation 5008216 (VCV005008216.1).